The following is an entry in ClinVar:

ClinVar aggregate classification (germline): Uncertain significance (1 of 4 stars; one submission).

Conditions:
Dihydropteridine reductase deficiency (HPABH4C). Also called: BH4-Deficient Hyperphenylalaninemia C; HYPERPHENYLALANINEMIA, TETRAHYDROBIOPTERIN-DEFICIENT, DUE TO DHPR DEFICIENCY; QDPR DEFICIENCY; QUINOID DIHYDROPTERIDINE REDUCTASE DEFICIENCY; Phenylketonuria II; Hyperphenylalaninemia due to dihydropteridine reductase deficiency. Identifiers: Orphanet 226, Orphanet 238583, MedGen C0268465, MONDO:0009862, OMIM 261630.

Allele frequency attached by ClinVar (database versions not stated): gnomAD exomes below 0.00001.
gnomAD v4.1: 1 of 1,613,826 alleles (0.000062%); highest among the groups gnomAD compares: Non-Finnish European, 0.000085%; no homozygotes.

Submission:

Labcorp Genetics (formerly Invitae), Labcorp
Classification: Uncertain significance for Dihydropteridine reductase deficiency. Last evaluated: 2022-07-25. Review status: criteria provided, single submitter. Criteria: Invitae Variant Classification Sherloc (09022015). Collection method: clinical testing. Allele origin: germline.
Comment: In summary, the available evidence is currently insufficient to determine the role of this variant in disease. Therefore, it has been classified as a Variant of Uncertain Significance. Algorithms developed to predict the effect of missense changes on protein structure and function are either unavailable or do not agree on the potential impact of this missense change (SIFT: "Deleterious"; PolyPhen-2: "Probably Damaging"; Align-GVGD: "Class C0"). This variant has not been reported in the literature in individuals affected with QDPR-related conditions. This variant is not present in population databases (gnomAD no frequency). This sequence change replaces aspartic acid, which is acidic and polar, with tyrosine, which is neutral and polar, at codon 41 of the QDPR protein (p.Asp41Tyr).

NM_000320.3(QDPR):c.121G>T (p.Asp41Tyr)

Gene: QDPR (quinoid dihydropteridine reductase; minus strand). Cytogenetic location: 4p15.32.
Variant type: single nucleotide variant.
Coding change: c.121G>T on transcript NM_000320.3 (MANE Select); coding-DNA position 121, G replaced by T.
Protein change: p.Asp41Tyr; replaces aspartic acid 41 with tyrosine.
Molecular consequence: missense variant. On other transcripts: non-coding transcript variant (1), intron variant (1).
Genome position (GRCh38, 1-based): chr4:17,509,348, C>A on the plus strand (G>T on the coding strand, the complement: QDPR is on the minus strand). VCF-style: chr4-17509348-C-A. GRCh37 (hg19) VCF-style: chr4-17510971-C-A.
Other names: c.105+2602G>T (NM_001306140.2); short protein forms D41Y.
Identifiers: ClinVar variation 2128063 (VCV002128063.4), dbSNP rs2474680575, ClinGen allele CA356453559.
Genomic context (GRCh38, chr4:17,509,348, plus strand): 5'-TGAACGAGTCTGTCATTTTAACAATGATGCTAGCGCTGGCCTCTTCATTCTCCACCACAT[C>A]AACGCTGGCAACCCACTGGAAGGAGAAAACAGCTTTGGTTAAGAGGCAGTGAGTTGTTAT-3'
Protein context (NP_000311.2, residues 31-51): RARNWWVASV[Asp41Tyr]VVENEEASAS